The following is an entry in ClinVar:

ClinVar aggregate classification (germline): Uncertain significance. Review status: criteria provided, multiple submitters, no conflicts (2 of 4 stars). 2 submissions from 2 submitters: Uncertain significance (2). Last evaluated 2026-07-30.

Conditions:
Hereditary cancer-predisposing syndrome. Also called: Tumor predisposition; Hereditary Cancer Syndrome; Hereditary neoplastic syndrome; Neoplastic Syndromes, Hereditary. Identifiers: Orphanet 140162, MedGen C0027672, MeSH D009386, MONDO:0015356.

Submissions (2):

Ambry Genetics
Classification: Uncertain significance for Hereditary cancer-predisposing syndrome. Last evaluated: 2026-07-30. Review status: criteria provided, single submitter. Criteria: Ambry Variant Classification Scheme 2023. Collection method: clinical testing. Allele origin: germline.
Comment: The p.I108K variant (also known as c.323T>A), located in coding exon 2 of the PTCH1 gene, results from a T to A substitution at nucleotide position 323. The isoleucine at codon 108 is replaced by lysine, an amino acid with dissimilar properties. This amino acid position is conserved. In addition, this alteration is predicted to be deleterious by in silico analysis. Based on the available evidence, the clinical significance of this variant remains unclear.

GeneDx
Classification: Uncertain significance. Last evaluated: 2024-05-08. Review status: criteria provided, single submitter. Criteria: GeneDx Variant Classification Process June 2021. Collection method: clinical testing. Allele origin: germline. Affected: yes.
Comment: Not observed at significant frequency in large population cohorts (gnomAD); In silico analysis supports that this missense variant has a deleterious effect on protein structure/function; Has not been previously published as pathogenic or benign to our knowledge

NM_000264.5(PTCH1):c.323T>A (p.Ile108Lys)

Gene: PTCH1 (patched 1; minus strand). Cytogenetic location: 9q22.32.
Variant type: single nucleotide variant.
Coding change: c.323T>A on transcript NM_000264.5 (MANE Select); coding-DNA position 323, T replaced by A.
Protein change: p.Ile108Lys; replaces isoleucine 108 with lysine.
Molecular consequence: missense variant. On other transcripts: 5 prime UTR variant (4), non-coding transcript variant (1).
Genome position (GRCh38, 1-based): chr9:95,506,478, A>T on the plus strand (T>A on the coding strand, the complement: PTCH1 is on the minus strand). VCF-style: chr9-95506478-A-T. GRCh37 (hg19) VCF-style: chr9-98268760-A-T.
Other names: c.125T>A, p.Ile42Lys (NM_001083602.3, NM_001354919.2); c.320T>A, p.Ile107Lys (NM_001083603.3); c.-131T>A (NM_001083604.3, NM_001083605.3, NM_001083606.3 and 1 more transcripts); c.323T>A, p.Ile108Lys (NM_001354918.2); short protein forms I107K, I108K, I42K.
Identifiers: ClinVar variation 3375781 (VCV003375781.3).